The following is an entry in ClinVar:

NM_006031.6(PCNT):c.1659T>C (p.Leu553=)

Gene: PCNT (pericentrin; plus strand). Cytogenetic location: 21q22.3.
Variant type: single nucleotide variant.
Coding change: c.1659T>C on transcript NM_006031.6 (MANE Select); coding-DNA position 1659, T replaced by C.
Protein change: p.Leu553=; no amino-acid change (leucine 553 retained).
Molecular consequence: synonymous variant.
Genome position (GRCh38, 1-based): chr21:46,353,306, T>C. VCF-style: chr21-46353306-T-C. GRCh37 (hg19) VCF-style: chr21-47773220-T-C.
Other names: c.1305T>C, p.Leu435= (NM_001315529.2); c.1659T>C (NM_006031.5).
Identifiers: ClinVar variation 3680082 (VCV003680082.3).

ClinVar aggregate classification (germline): Likely benign. Review status: criteria provided, multiple submitters, no conflicts (2 of 4 stars). 2 submissions from 2 submitters: Likely benign (2). Last evaluated 2025-01-23.

Conditions:
PCNT-related disorder. Also called: PCNT-related condition.

gnomAD v4.1: 14 of 1,614,018 alleles (0.00087%); highest among the groups gnomAD compares: African/African-American, 0.0013%; no homozygotes.

Submissions (2):

PreventionGenetics, part of Exact Sciences
Classification: Likely benign for PCNT-related condition. Last evaluated: 2025-01-23. Review status: criteria provided, single submitter. Criteria: ACMG Guidelines, 2015. Collection method: clinical testing. Allele origin: germline.
Comment: This variant is classified as likely benign based on ACMG/AMP sequence variant interpretation guidelines (Richards et al. 2015 PMID: 25741868, with internal and published modifications).

Labcorp Genetics (formerly Invitae), Labcorp
Classification: Likely benign. Last evaluated: 2024-05-03. Review status: criteria provided, single submitter. Criteria: Invitae Variant Classification Sherloc (09022015). Collection method: clinical testing. Allele origin: germline.